The following is an entry in ClinVar:

ClinVar aggregate classification (germline): Pathogenic. Review status: criteria provided, multiple submitters, no conflicts (2 of 4 stars). 14 submissions from 14 submitters: Pathogenic (13). 1 of the submissions does not count toward it. Last evaluated 2026-06-17.

Conditions:
TGFBI-related disorder. Also called: TGFBI-related condition.
Corneal dystrophy. Identifiers: Orphanet 34533, MedGen C0010036, MONDO:0018102, HP:0001131.
Epithelial basement membrane dystrophy. Also called: CORNEAL DYSTROPHY, EPITHELIAL BASEMENT MEMBRANE; Map-dot-fingerprint corneal dystrophy; CORNEAL DYSTROPHY, ANTERIOR BASEMENT MEMBRANE; CORNEAL DYSTROPHY, MICROCYSTIC; Corneal epithelial dystrophy; Microcystic dystrophy of the cornea. Identifiers: Orphanet 98956, MedGen C0521723, MONDO:0007375, OMIM 121820, HP:0007690.
Reis-Bucklers' corneal dystrophy (CDRB). Also called: GRANULAR CORNEAL DYSTROPHY, TYPE III. Identifiers: Orphanet 98961, MedGen C0339278, MONDO:0012043, OMIM 608470.
Avellino corneal dystrophy (CDA). Also called: COMBINED GRANULAR-LATTICE CORNEAL DYSTROPHY; GRANULAR CORNEAL DYSTROPHY, TYPE II; Granular-lattice (Avellino) corneal dystrophy; Combined granular-lattice corneal dystrophies; Granular and lattice corneal dystrophies; Granular corneal dystrophy type 2. Identifiers: Orphanet 98963, MedGen C1275685, MONDO:0011855, OMIM 607541.
Thiel-Behnke corneal dystrophy (CDTB). Also called: Corneal dystrophy honeycomb shaped; Corneal dystrophy of the Bowman layer type 2. Identifiers: Orphanet 98960, MedGen C1562894, MONDO:0011185, OMIM 602082.
Lattice corneal dystrophy Type I (CDL1). Identifiers: Orphanet 98964, MedGen C1690006, MONDO:0007380, OMIM 122200.
Corneal dystrophy, lattice type 3A (CDL3A). Also called: Lattice corneal dystrophy type III A. Identifiers: Orphanet 98964, MedGen C1837974, MONDO:0012044, OMIM 608471.
Groenouw corneal dystrophy type I (CDGG1). Also called: GRANULAR CORNEAL DYSTROPHY, TYPE I. Identifiers: Orphanet 98962, MedGen C1641846, MONDO:0007377, OMIM 121900.

Allele frequency attached by ClinVar (database versions not stated): gnomAD exomes 0.00004 and 0.00002; gnomAD 0.00003; ExAC 0.00006; TOPMed 0.00001.
gnomAD v4.1: 36 of 1,613,854 alleles (0.0022%); highest among the groups gnomAD compares: East Asian, 0.036%; no homozygotes.

Submissions (14):

Genetics Laboratory, Great Ormond Street Hospital NHS Foundation Trust, North Thames Genomic Laboratory Hub
Classification: Pathogenic for Corneal dystrophy. Last evaluated: 2026-06-17. Review status: criteria provided, single submitter. Criteria: ACGS Best Practice Guidelines for Variant Classification in Rare Disease 2024 v1.2. Collection method: clinical testing. Allele origin: germline. Affected: yes.
Comment: PS4_moderate, PP3_supporting, PM5_moderate, PP1_strong, PP4_supporting

GeneDx
Classification: Pathogenic. Last evaluated: 2026-03-02. Review status: criteria provided, single submitter. Criteria: GeneDx Variant Classification Process June 2021. Collection method: clinical testing. Allele origin: germline.
Comment: In silico analysis suggests that this missense variant does not alter protein structure/function; This variant is associated with the following publications: (PMID: 19822856, 39843441, 22155582, 18458933, 21371477, 25034048, 19337156, 24582869, 19657278, 17317389, 28567551, 16670492, 30805211, 29192679, 16380889, 9744382, 30088155, 28358433, 30871369, 33090715, 33772078, 33946315, 33816482, 35985662, 36729443, 37734845, 21135107, 22850414, 34097874, 15059726, 38785568, 38315492, 38300218, 36902444, 19145249, 11923233, 9924333, 16767671, 22355247, 20664689, 22815629, 26221553, 22746317, 26197481, 15094731, 9054935, 32952948, 23837658, 27781206, 19461933, 39959167, 40185334, 40900077)

Clinical Genetics Laboratory, Skane University Hospital Lund
Classification: Pathogenic for Avellino corneal dystrophy. Last evaluated: 2025-12-05. Review status: criteria provided, single submitter. Criteria: ACMG Guidelines, 2015. Collection method: clinical testing. Allele origin: germline. Inheritance: Autosomal dominant inheritance. Affected: yes.
Comment: ACMG criteria used: PS3, PS4, PM2, PP3.

Labcorp Genetics (formerly Invitae), Labcorp
Classification: Pathogenic. Last evaluated: 2025-11-01. Review status: criteria provided, single submitter. Criteria: Invitae Variant Classification Sherloc (09022015). Collection method: clinical testing. Allele origin: germline.
Comment: This sequence change replaces arginine, which is basic and polar, with histidine, which is basic and polar, at codon 124 of the TGFBI protein (p.Arg124His). This variant is present in population databases (rs121909211, gnomAD 0.05%). This missense change has been observed in individuals with autosomal dominant corneal dystrophy (PMID: 11923233). ClinVar contains an entry for this variant (Variation ID: 7869). An algorithm developed to predict the effect of missense changes on protein structure and function (PolyPhen-2) suggests that this variant is likely to be disruptive. Experimental studies have shown that this missense change affects TGFBI function (PMID: 26197481, 34097874). This variant disrupts the p.Arg124 amino acid residue in TGFBI. Other variant(s) that disrupt this residue have been determined to be pathogenic (PMID: 10798644, 11923233, 23559853). This suggests that this residue is clinically significant, and that variants that disrupt this residue are likely to be disease-causing. For these reasons, this variant has been classified as Pathogenic.

CeGaT Center for Human Genetics Tuebingen
Classification: Pathogenic. Last evaluated: 2025-07-01. Review status: criteria provided, single submitter. Criteria: CeGaT Center For Human Genetics Tuebingen Variant Classification Criteria Version 2. Collection method: clinical testing. Allele origin: germline. Affected: yes. Observed: 1 variant allele.
Comment: TGFBI: PP1:Strong, PS4, PM1, PM5, PM2:Supporting

3billion
Classification: Pathogenic for Avellino corneal dystrophy. Last evaluated: 2024-08-28. Review status: criteria provided, single submitter. Criteria: ACMG Guidelines, 2015. Collection method: clinical testing. Allele origin: germline. Affected: yes.
Comment: The variant is observed at an extremely low frequency in the gnomAD v4.0.0 dataset (total allele frequency: 0.002%). Predicted Consequence/Location: The variant is located in a mutational hot spot and/or well-established functional domain in which established pathogenic variants have been reported (PMID: 30830990). Missense changes are a common disease-causing mechanism. Functional studies provide strong evidence of the variant having a damaging effect on the gene or gene product (PMID: 22850414). In silico tool predictions suggest damaging effect of the variant on gene or gene product [REVEL: 0.77 (>=0.6, sensitivity 0.68 and specificity 0.92); 3Cnet: 0.86 (>=0.6, sensitivity 0.72 and precision 0.9)]. The same nucleotide change resulting in the same amino acid change has been previously reported as pathogenic/likely pathogenic with strong evidence (ClinVar ID: VCV000007869 /PMID: 9054935 /3billion dataset). The variant has been reported to be in trans with a pathogenic variant as either compound heterozygous or homozygous in at least one similarly affected unrelated individual (3billion dataset). Different missense changes at the same codon (p.Arg124Cys, p.Arg124Leu, p.Arg124Ser) have been reported as pathogenic/likely pathogenic with strong evidence (ClinVar ID: VCV000007868, VCV000007872, VCV000007873 /PMID: 10425035, 9054935, 9780098 /3billion dataset). Therefore, this variant is classified as Pathogenic according to the recommendation of ACMG/AMP guideline.

Blueprint Genetics
Classification: Pathogenic for TGFBI-related disorders. Last evaluated: 2024-08-28. Review status: criteria provided, single submitter. Criteria: ACMG Guidelines, 2015. Collection method: clinical testing. Allele origin: germline. Affected: yes. Observed: 5 variant alleles.

Institute of Human Genetics, University of Leipzig Medical Center
Classification: Pathogenic for Avellino corneal dystrophy. Last evaluated: 2024-02-09. Review status: criteria provided, single submitter. Criteria: ACMG Guidelines, 2015. Collection method: clinical testing. Allele origin: unknown. Inheritance: Autosomal dominant inheritance. Affected: yes.
Comment: Criteria applied: PS4,PM5_STR,PS3_MOD,PP3

Neuberg Centre For Genomic Medicine, NCGM
Classification: Pathogenic for Avellino corneal dystrophy. Last evaluated: 2023-05-20. Review status: criteria provided, single submitter. Criteria: ACMG Guidelines, 2015. Collection method: clinical testing. Allele origin: germline. Inheritance: Autosomal dominant inheritance. Affected: yes.
Comment: The observed missense variant c.371G>A(p.Arg124His) in the TGFBI gene has been reported previously in individual(s) with autosomal dominant corneal dystrophy (Nagano C, et al., 2019; Jozaei R, et al.,2022). Experimental studies have shown that this missense change affects TGFBI function (Nielsen NS, et al., 2021). This variant disrupts the p.Arg124 amino acid residue in TGFBI. Other variant(s) that disrupt this residue have been determined to be pathogenic (Grothe HL, et al., 2013; Munier FL, et al., 2002). This suggests that this residue is clinically significant, and that variants that disrupt this residue are likely to be disease-causing. This variant is reported with the allele frequency 0.004% in the gnomAD Exomes. This variant has been reported to the ClinVar database as Pathogenic. The amino acid Arginine at position 124 is changed to a Histidine changing protein sequence and it might alter its composition and physico-chemical properties. Multiple lines of computational evidence (Polyphen - Damaging and MutationTaster - Disease causing) predict a damaging effect on protein structure and function for this variant. The residue is conserved by GERP++ and PhyloP across 100 vertebrates. For these reasons, this variant has been classified as Pathogenic.

Genetics and Genomic Medicine Centre, NeuroGen Healthcare, NeuroGen Healthcare
Classification: Pathogenic for Avellino corneal dystrophy. Last evaluated: 2021-11-20. Review status: criteria provided, single submitter. Criteria: Submitter's publication. Collection method: clinical testing. Allele origin: unknown. Affected: no.

Genetics and Molecular Pathology, SA Pathology
Classification: Pathogenic for Avellino corneal dystrophy. Last evaluated: 2021-09-20. Review status: criteria provided, single submitter. Criteria: ACMG Guidelines, 2015. Collection method: clinical testing. Allele origin: germline. Inheritance: Autosomal dominant inheritance. Affected: yes.

Institute of Medical Genetics and Applied Genomics, University Hospital Tübingen
Classification: Pathogenic. Last evaluated: 2021-06-17. Review status: criteria provided, single submitter. Criteria: ACMG Guidelines, 2015. Collection method: clinical testing. Allele origin: germline. Inheritance: Autosomal dominant inheritance. Affected: yes.

Juno Genomics, Hangzhou Juno Genomics, Inc
Classification: Pathogenic for Avellino corneal dystrophy; Epithelial basement membrane dystrophy; Groenouw corneal dystrophy type I; Lattice corneal dystrophy Type I; Corneal dystrophy, lattice type 3A; Reis-Bucklers' corneal dystrophy; Thiel-Behnke corneal dystrophy. Review status: criteria provided, single submitter. Criteria: ACMG Guidelines, 2015. Collection method: clinical testing. Allele origin: germline.
Comment: Absent from controls (or at extremely low frequency if recessive) in Genome Aggregation Database.;The prevalence of the variant in affected individuals is significantly increased compared to the prevalence in controls.;Patient's phenotype or family history is highly specific for a disease with a single genetic etiology.;Well-established in vitro or in vivo functional studies supportive of a damaging effect on the gene or gene product.;Novel missense change at an amino acid residue where a different missense change determined to be pathogenic has been seen before.

OMIM
Classification: Pathogenic for CORNEAL DYSTROPHY, AVELLINO TYPE. Last evaluated: 2004-04-01. Review status: no assertion criteria provided. Collection method: literature only. Allele origin: germline. Not counted in ClinVar's aggregate classification.

Literature cited by the submitters: PubMed 11923233 (cited by Labcorp Genetics (formerly Invitae), Labcorp); PubMed 26197481 (cited by Labcorp Genetics (formerly Invitae), Labcorp); PubMed 34097874 (cited by Labcorp Genetics (formerly Invitae), Labcorp); PubMed 10798644 (cited by Labcorp Genetics (formerly Invitae), Labcorp); PubMed 23559853 (cited by Labcorp Genetics (formerly Invitae), Labcorp); PubMed 30830990 (cited by 3billion); PubMed 9054935 (cited by 3billion and OMIM); PubMed 22850414 (cited by 3billion); PubMed 10425035 (cited by 3billion); PubMed 15059726 (cited by OMIM).

NM_000358.3(TGFBI):c.371G>A (p.Arg124His)

Gene: TGFBI (transforming growth factor beta induced; plus strand). Cytogenetic location: 5q31.1.
Variant type: single nucleotide variant.
Coding change: c.371G>A on transcript NM_000358.3 (MANE Select); coding-DNA position 371, G replaced by A.
Protein change: p.Arg124His; replaces arginine 124 with histidine.
Molecular consequence: missense variant.
Genome position (GRCh38, 1-based): chr5:136,046,407, G>A. VCF-style: chr5-136046407-G-A. GRCh37 (hg19) VCF-style: chr5-135382096-G-A.
Other names: c.371G>A (NM_000358.2); short protein forms R124H.
Identifiers: ClinVar variation 7869 (VCV000007869.32), dbSNP rs121909211, ClinGen allele CA119122.
Genomic context (GRCh38, chr5:136,046,407, plus strand): 5'-CAAACCTTTACGAGACCCTGGGAGTCGTTGGATCCACCACCACTCAGCTGTACACGGACC[G>A]CACGGAGAAGCTGAGGCCTGAGATGGAGGGGCCCGGCAGCTTCACCATCTTCGCCCCTAG-3'
Protein context (NP_000349.1, residues 114-134): GSTTTQLYTD[Arg124His]TEKLRPEMEG